The following is an entry in ClinVar:

ClinVar aggregate classification (germline): Uncertain significance (1 of 4 stars; one submission).

Conditions:
Epidermolysis bullosa simplex 3, localized or generalized intermediate, with BP230 deficiency (EBS3). Also called: Epidermolysis bullosa simplex due to BP230 deficiency; Epidermolysis bullosa simplex, autosomal recessive 2. Identifiers: Orphanet 412181, MedGen C3809470, MONDO:0014180, OMIM 615425.
Hereditary sensory and autonomic neuropathy type 6. Also called: Neuropathy, hereditary sensory and autonomic, type VI; HSAN VI. Identifiers: Orphanet 314381, MedGen C3539003, MONDO:0013839, OMIM 614653.

Submission:

Labcorp Genetics (formerly Invitae), Labcorp
Classification: Uncertain significance for Epidermolysis bullosa simplex 3, localized or generalized intermediate, with BP230 deficiency; Hereditary sensory and autonomic neuropathy type 6. Last evaluated: 2019-09-09. Review status: criteria provided, single submitter. Criteria: Invitae Variant Classification Sherloc (09022015). Collection method: clinical testing. Allele origin: germline.
Comment: Algorithms developed to predict the effect of missense changes on protein structure and function (SIFT, PolyPhen-2, Align-GVGD) all suggest that this variant is likely to be disruptive, but these predictions have not been confirmed by published functional studies and their clinical significance is uncertain. This variant has not been reported in the literature in individuals with DST-related conditions. This variant is not present in population databases (ExAC no frequency). This sequence change replaces glutamic acid with valine at codon 859 of the DST protein (p.Glu859Val). The glutamic acid residue is highly conserved and there is a moderate physicochemical difference between glutamic acid and valine. In summary, the available evidence is currently insufficient to determine the role of this variant in disease. Therefore, it has been classified as a Variant of Uncertain Significance.

NM_001374736.1(DST):c.4187A>T (p.Glu1396Val)

Gene: DST (dystonin; minus strand). Cytogenetic location: 6p12.1.
Variant type: single nucleotide variant.
Coding change: c.4187A>T on transcript NM_001374736.1 (MANE Select); coding-DNA position 4187, A replaced by T.
Protein change: p.Glu1396Val; replaces glutamic acid 1396 with valine.
Molecular consequence: missense variant.
Genome position (GRCh38, 1-based): chr6:56,630,339, T>A on the plus strand (A>T on the coding strand, the complement: DST is on the minus strand). VCF-style: chr6-56630339-T-A. GRCh37 (hg19) VCF-style: chr6-56495137-T-A.
Other names: c.4088A>T, p.Glu1363Val (NM_001144769.5); c.3674A>T, p.Glu1225Val (NM_001144770.2); c.4187A>T, p.Glu1396Val (NM_001374722.1); c.3554A>T, p.Glu1185Val (NM_001374729.1, NM_001374730.1, NM_001386100.1 and 1 more transcripts); c.4214A>T, p.Glu1405Val (NM_001374734.1); c.2576A>T, p.Glu859Val (NM_001723.7, NM_015548.5); short protein forms E859V, E1185V, E1405V, E1396V, E1225V, E1363V.
Identifiers: ClinVar variation 960526 (VCV000960526.10), dbSNP rs2098767701, ClinGen allele CA364574223.
Genomic context (GRCh38, chr6:56,630,339, plus strand): 5'-TTGTCAGCTATAACTGCTTCTTCTTCACACAGTTTAGTTTCATAGAGTTTTACGAGGGCT[T>A]CTGCAGCTTGAGTGTTTTTTAACACCAAGTTAACAGTTTTCAACCTTAAAAAGGAAATTA-3'
Protein context (NP_001361665.1, residues 1386-1406): NLVLKNTQAA[Glu1396Val]ALVKLYETKL